The following is an entry in ClinVar:

ClinVar aggregate classification (germline): Uncertain significance (1 of 4 stars; one submission).

gnomAD v4.1: 2 of 1,614,028 alleles (0.00012%); no homozygotes.

Submission:

Labcorp Genetics (formerly Invitae), Labcorp
Classification: Uncertain significance. Last evaluated: 2022-05-06. Review status: criteria provided, single submitter. Criteria: Invitae Variant Classification Sherloc (09022015). Collection method: clinical testing. Allele origin: germline.
Comment: In summary, the available evidence is currently insufficient to determine the role of this variant in disease. Therefore, it has been classified as a Variant of Uncertain Significance. Algorithms developed to predict the effect of missense changes on protein structure and function are either unavailable or do not agree on the potential impact of this missense change (SIFT: "Deleterious"; PolyPhen-2: "Probably Damaging"; Align-GVGD: "Class C0"). This variant has not been reported in the literature in individuals affected with WHRN-related conditions. This variant is not present in population databases (gnomAD no frequency). This sequence change replaces arginine, which is basic and polar, with proline, which is neutral and non-polar, at codon 745 of the WHRN protein (p.Arg745Pro).

NM_015404.4(WHRN):c.2234G>C (p.Arg745Pro)

Gene: WHRN (whirlin; minus strand). Cytogenetic location: 9q32.
Variant type: single nucleotide variant.
Coding change: c.2234G>C on transcript NM_015404.4 (MANE Select); coding-DNA position 2234, G replaced by C.
Protein change: p.Arg745Pro; replaces arginine 745 with proline.
Molecular consequence: missense variant.
Genome position (GRCh38, 1-based): chr9:114,406,357, C>G on the plus strand (G>C on the coding strand, the complement: WHRN is on the minus strand). VCF-style: chr9-114406357-C-G. GRCh37 (hg19) VCF-style: chr9-117168637-C-G.
Other names: c.1085G>C, p.Arg362Pro (NM_001083885.3); c.2234G>C, p.Arg745Pro (NM_001173425.2); c.1181G>C, p.Arg394Pro (NM_001346890.1); short protein forms R362P, R394P, R745P.
Identifiers: ClinVar variation 2134631 (VCV002134631.4), dbSNP rs555619169, ClinGen allele CA374620018.